The following is an entry in ClinVar:

NM_003114.5(SPAG1):c.1519dup (p.Ile507fs)

Gene: SPAG1 (sperm associated antigen 1; plus strand). Cytogenetic location: 8q22.2.
Variant type: Duplication.
Coding change: c.1519dup on transcript NM_003114.5 (MANE Select); coding-DNA position 1519, one base duplicated (A; older notation c.1519dupA).
Protein change: p.Ile507fs; shifts the reading frame from isoleucine 507.
Molecular consequence: frameshift variant.
Genome position (GRCh38, 1-based): chr8:100,213,902, A duplicated. VCF-style (leftmost placement, unchanged base first): chr8-100213901-C-CA. GRCh37 (hg19) VCF-style: chr8-101226129-C-CA.
Other names: c.1519dupA (NM_172218.2); c.1519dup, p.Ile507fs (NM_001374321.1, NM_172218.3); short protein forms I507fs.
Identifiers: ClinVar variation 410993 (VCV000410993.12), dbSNP rs763569711, ClinGen allele CA4827511.

ClinVar aggregate classification (germline): Pathogenic. Review status: criteria provided, multiple submitters, no conflicts (2 of 4 stars). 4 submissions from 4 submitters: Pathogenic (2). 2 of the submissions do not count toward it. Last evaluated 2024-12-19.

Conditions:
SPAG1-related disorder. Also called: SPAG1-related condition.
Primary ciliary dyskinesia 28. Also called: CILIARY DYSKINESIA, PRIMARY, 28, WITH OR WITHOUT SITUS INVERSUS. Identifiers: Orphanet 244, MedGen C3809706, MONDO:0014216, OMIM 615505.

Allele frequency attached by ClinVar (database versions not stated): TOPMed below 0.00001; gnomAD 0.00001; gnomAD exomes 0.00001 and 0.00004; ExAC 0.00004.

Submissions (4):

Labcorp Genetics (formerly Invitae), Labcorp
Classification: Pathogenic for Primary ciliary dyskinesia 28. Last evaluated: 2024-12-19. Review status: criteria provided, single submitter. Criteria: Invitae Variant Classification Sherloc (09022015). Collection method: clinical testing. Allele origin: germline.
Comment: This sequence change creates a premature translational stop signal (p.Ile507Asnfs*5) in the SPAG1 gene. It is expected to result in an absent or disrupted protein product. Loss-of-function variants in SPAG1 are known to be pathogenic (PMID: 24055112). This variant is present in population databases (rs763569711, gnomAD 0.03%). This premature translational stop signal has been observed in individual(s) with primary ciliary dyskinesia (PMID: 26139845). ClinVar contains an entry for this variant (Variation ID: 410993). Algorithms developed to predict the effect of sequence changes on RNA splicing suggest that this variant may disrupt the consensus splice site. For these reasons, this variant has been classified as Pathogenic.

Blueprint Genetics
Classification: Pathogenic for SPAG1-related disorders. Last evaluated: 2017-07-04. Review status: criteria provided, single submitter. Criteria: ACMG Guidelines, 2015. Collection method: clinical testing. Allele origin: germline. Affected: yes. Observed: 1 variant allele.

PreventionGenetics, part of Exact Sciences
Classification: Pathogenic for SPAG1-related condition. Last evaluated: 2024-06-04. Review status: no assertion criteria provided. Collection method: clinical testing. Allele origin: germline. Not counted in ClinVar's aggregate classification.
Comment: The SPAG1 c.1519dupA variant is predicted to result in a frameshift and premature protein termination (p.Ile507Asnfs*5). This variant has been reported as homozygous in two individuals with primary ciliary dyskinesia (Marshall et al. 2015. PubMed ID: 26139845; Table S3, Fassad et al. 2020. PubMed ID: 31879361). This variant is reported in 0.033% of alleles in individuals of South Asian descent in gnomAD. Frameshift variants in SPAG1 are expected to be pathogenic. This variant is interpreted as pathogenic.

Genomics England Pilot Project, Genomics England
Classification: Likely pathogenic for Primary ciliary dyskinesia 28. Review status: no assertion criteria provided. Criteria: ACGS Guidelines, 2016. Collection method: clinical testing. Allele origin: germline. Affected: yes. Not counted in ClinVar's aggregate classification.

Literature cited by the submitters: PubMed 24055112 (cited by Labcorp Genetics (formerly Invitae), Labcorp); PubMed 26139845 (cited by Labcorp Genetics (formerly Invitae), Labcorp).